The following is an entry in ClinVar:

ClinVar aggregate classification (germline): Likely benign. Review status: criteria provided, single submitter (1 of 4 stars). 2 submissions from 2 submitters: Likely benign (1). 1 of the submissions does not count toward it. Last evaluated 2024-01-22.

Conditions:
Neurodegeneration with brain iron accumulation 6 (NBIA6). Also called: COASY protein-associated neurodegeneration. Identifiers: Orphanet 397725, MedGen C4517377, MONDO:0014290, OMIM 615643.
COASY-related disorder. Also called: COASY-related condition.

Allele frequency attached by ClinVar (database versions not stated): TOPMed 0.00010; 1000 Genomes Project 30x 0.00016; 1000 Genomes Project 0.00020; gnomAD exomes 0.00002 and 0.00004; ExAC 0.00003; ESP Exome Variant Server 0.00008; gnomAD 0.00010.
gnomAD v4.1: 78 of 1,613,662 alleles (0.0048%); highest among the groups gnomAD compares: African/African-American, 0.016%; no homozygotes.

Submissions (2):

Labcorp Genetics (formerly Invitae), Labcorp
Classification: Likely benign for Neurodegeneration with brain iron accumulation 6. Last evaluated: 2024-01-22. Review status: criteria provided, single submitter. Criteria: Invitae Variant Classification Sherloc (09022015). Collection method: clinical testing. Allele origin: germline.

PreventionGenetics, part of Exact Sciences
Classification: Likely benign for COASY-related condition. Last evaluated: 2019-07-03. Review status: no assertion criteria provided. Collection method: clinical testing. Allele origin: germline. Not counted in ClinVar's aggregate classification.
Comment: This variant is classified as likely benign based on ACMG/AMP sequence variant interpretation guidelines (Richards et al. 2015 PMID: 25741868, with internal and published modifications).

NM_025233.7(COASY):c.597G>A (p.Thr199=)

Gene: COASY (Coenzyme A synthase; plus strand). Cytogenetic location: 17q21.2.
Variant type: single nucleotide variant.
Coding change: c.597G>A on transcript NM_025233.7 (MANE Select); coding-DNA position 597, G replaced by A.
Protein change: p.Thr199=; no amino-acid change (threonine 199 retained).
Molecular consequence: synonymous variant.
Genome position (GRCh38, 1-based): chr17:42,563,219, G>A. VCF-style: chr17-42563219-G-A. GRCh37 (hg19) VCF-style: chr17-40715237-G-A.
Other names: c.597G>A, p.Thr199= (NM_001042529.3); c.684G>A, p.Thr228= (NM_001042532.4); c.597G>A (NM_025233.6).
Identifiers: ClinVar variation 1582202 (VCV001582202.10), dbSNP rs368976372, ClinGen allele CA8578009.